The following is an entry in ClinVar:

NM_003839.4(TNFRSF11A):c.1796G>A (p.Arg599Gln)

Gene: TNFRSF11A (TNF receptor superfamily member 11a; plus strand). Cytogenetic location: 18q21.33.
Variant type: single nucleotide variant.
Coding change: c.1796G>A on transcript NM_003839.4 (MANE Select); coding-DNA position 1796, G replaced by A.
Protein change: p.Arg599Gln; replaces arginine 599 with glutamine.
Molecular consequence: missense variant. On other transcripts: 3 prime UTR variant (1).
Genome position (GRCh38, 1-based): chr18:62,384,979, G>A. VCF-style: chr18-62384979-G-A. GRCh37 (hg19) VCF-style: chr18-60052212-G-A.
Other names: c.*220G>A (NM_001270949.2); c.959G>A, p.Arg320Gln (NM_001270950.2); c.845G>A, p.Arg282Gln (NM_001270951.2); c.1754G>A, p.Arg585Gln (NM_001278268.2); short protein forms R599Q, R585Q, R282Q, R320Q.
Identifiers: ClinVar variation 432502 (VCV000432502.11), dbSNP rs1262419198, ClinGen allele CA402620829.

ClinVar aggregate classification (germline): Uncertain significance. Review status: criteria provided, multiple submitters, no conflicts (2 of 4 stars). 3 submissions from 3 submitters: Uncertain significance (3). Last evaluated 2025-06-12.

Conditions:
Inborn genetic diseases. Identifiers: MedGen C0950123, MeSH D030342.

Allele frequency attached by ClinVar (database versions not stated): gnomAD 0.00001 and 0.00002; TOPMed 0.00006; 1000 Genomes Project 30x 0.00031.
gnomAD v4.1: 6 of 1,472,338 alleles (0.00041%); highest among the groups gnomAD compares: Admixed American, 0.01%; no homozygotes.

Submissions (3):

Labcorp Genetics (formerly Invitae), Labcorp
Classification: Uncertain significance. Last evaluated: 2025-06-12. Review status: criteria provided, single submitter. Criteria: Invitae Variant Classification Sherloc (09022015). Collection method: clinical testing. Allele origin: germline.
Comment: This sequence change replaces arginine, which is basic and polar, with glutamine, which is neutral and polar, at codon 599 of the TNFRSF11A protein (p.Arg599Gln). This variant is not present in population databases (gnomAD no frequency). This variant has not been reported in the literature in individuals affected with TNFRSF11A-related conditions. ClinVar contains an entry for this variant (Variation ID: 432502). An algorithm developed to predict the effect of missense changes on protein structure and function outputs the following: PolyPhen-2: "Benign". The glutamine amino acid residue is found in multiple mammalian species, which suggests that this missense change does not adversely affect protein function. In summary, the available evidence is currently insufficient to determine the role of this variant in disease. Therefore, it has been classified as a Variant of Uncertain Significance.

Ambry Genetics
Classification: Uncertain significance for Inborn genetic diseases. Last evaluated: 2025-04-17. Review status: criteria provided, single submitter. Criteria: Ambry Variant Classification Scheme 2023. Collection method: clinical testing. Allele origin: germline.

GeneDx
Classification: Uncertain significance. Last evaluated: 2017-06-01. Review status: criteria provided, single submitter. Criteria: GeneDx Variant Classification (06012015). Collection method: clinical testing. Allele origin: germline. Affected: yes.
Comment: The R599Q variant in the TNFRSF11A gene has not been reported previously as a pathogenic variant, nor as a benign variant, to our knowledge. The R599Q variant is not observed in large population cohorts (Lek et al., 2016; 1000 Genomes Consortium et al., 2015; Exome Variant Server). The R599Q variant is a semi-conservative amino acid substitution, which may impact secondary protein structure as these residues differ in some properties. However, this substitution occurs at a position that is not conserved across species, and in silico analysis predicts this variant likely does not alter the protein structure/function. We interpret R599Q as a variant of uncertain significance.